The following is an entry in ClinVar:

NM_020925.4(CACHD1):c.1722C>T (p.His574=)

Gene: CACHD1 (cache domain containing 1; plus strand). Cytogenetic location: 1p31.3.
Variant type: single nucleotide variant.
Coding change: c.1722C>T on transcript NM_020925.4 (MANE Select); coding-DNA position 1722, C replaced by T.
Protein change: p.His574=; no amino-acid change (histidine 574 retained).
Molecular consequence: synonymous variant.
Genome position (GRCh38, 1-based): chr1:64,654,743, C>T. VCF-style: chr1-64654743-C-T. GRCh37 (hg19) VCF-style: chr1-65120426-C-T.
Other names: c.834C>T, p.His278= (NM_001293274.2).
Identifiers: ClinVar variation 2638871 (VCV002638871.24), dbSNP rs147163913, ClinGen allele CA891307.

ClinVar aggregate classification (germline): Likely benign (1 of 4 stars; one submission).

Allele frequency attached by ClinVar (database versions not stated): 1000 Genomes Project 0.00020; 1000 Genomes Project 30x 0.00031; gnomAD 0.00098; gnomAD exomes 0.00108; TOPMed 0.00110; ESP Exome Variant Server 0.00115; ExAC 0.00147.
gnomAD v4.1: 1,788 of 1,613,948 alleles (0.11%); highest among the groups gnomAD compares: Middle Eastern, 1%; 8 homozygotes.

Submission:

CeGaT Center for Human Genetics Tuebingen
Classification: Likely benign. Last evaluated: 2025-09-01. Review status: criteria provided, single submitter. Criteria: CeGaT Center For Human Genetics Tuebingen Variant Classification Criteria Version 2. Collection method: clinical testing. Allele origin: germline. Affected: yes. Observed: 2 variant alleles.
Comment: CACHD1: BP4